The following is an entry in ClinVar:

NM_006343.3(MERTK):c.567C>G (p.Ile189Met)

Gene: MERTK (MER proto-oncogene, tyrosine kinase; plus strand). Cytogenetic location: 2q13.
Variant type: single nucleotide variant.
Coding change: c.567C>G on transcript NM_006343.3 (MANE Select); coding-DNA position 567, C replaced by G.
Protein change: p.Ile189Met; replaces isoleucine 189 with methionine.
Molecular consequence: missense variant.
Genome position (GRCh38, 1-based): chr2:111,945,044, C>G. VCF-style: chr2-111945044-C-G. GRCh37 (hg19) VCF-style: chr2-112702621-C-G.
Other names: short protein forms I189M.
Identifiers: ClinVar variation 1461536 (VCV001461536.6), dbSNP rs1179161665, ClinGen allele CA348228509.

ClinVar aggregate classification (germline): Uncertain significance (1 of 4 stars; one submission).

Allele frequency attached by ClinVar (database versions not stated): gnomAD 0.00001; TOPMed 0.00001.
gnomAD v4.1: 1 of 1,613,066 alleles (0.000062%); highest among the groups gnomAD compares: Admixed American, 0.0017%; no homozygotes.

Submission:

Labcorp Genetics (formerly Invitae), Labcorp
Classification: Uncertain significance. Last evaluated: 2022-10-13. Review status: criteria provided, single submitter. Criteria: Invitae Variant Classification Sherloc (09022015). Collection method: clinical testing. Allele origin: germline.
Comment: This variant is not present in population databases (gnomAD no frequency). In summary, the available evidence is currently insufficient to determine the role of this variant in disease. Therefore, it has been classified as a Variant of Uncertain Significance. Advanced modeling of protein sequence and biophysical properties (such as structural, functional, and spatial information, amino acid conservation, physicochemical variation, residue mobility, and thermodynamic stability) performed at Invitae indicates that this missense variant is not expected to disrupt MERTK protein function. ClinVar contains an entry for this variant (Variation ID: 1461536). This variant has not been reported in the literature in individuals affected with MERTK-related conditions. This sequence change replaces isoleucine, which is neutral and non-polar, with methionine, which is neutral and non-polar, at codon 189 of the MERTK protein (p.Ile189Met).